The following is an entry in ClinVar:

NM_001040108.2(MLH3):c.1922C>T (p.Thr641Ile)

Gene: MLH3 (mutL homolog 3; minus strand). Cytogenetic location: 14q24.3.
Variant type: single nucleotide variant.
Coding change: c.1922C>T on transcript NM_001040108.2 (MANE Select); coding-DNA position 1922, C replaced by T.
Protein change: p.Thr641Ile; replaces threonine 641 with isoleucine.
Molecular consequence: missense variant.
Genome position (GRCh38, 1-based): chr14:75,047,734, G>A on the plus strand (C>T on the coding strand, the complement: MLH3 is on the minus strand). VCF-style: chr14-75047734-G-A. GRCh37 (hg19) VCF-style: chr14-75514437-G-A.
Other names: c.1922C>T, p.Thr641Ile (NM_014381.3); short protein forms T641I.
Identifiers: ClinVar variation 1782708 (VCV001782708.3), dbSNP rs2503283107, ClinGen allele CA390443761.
Genomic context (GRCh38, chr14:75,047,734, plus strand): 5'-GTGCTGGCTAAATCTTTGATGTCTGGAGTTTCAACTGAATGACGTGTTCTATTTCCAAAT[G>A]TTTCTTGGGCACGTGTGGGACCAGGTCTAACATAATTTTTAAATGAATGTTCTGTTTCAG-3'
Protein context (NP_001035197.1, residues 631-651): VRPGPTRAQE[Thr641Ile]FGNRTRHSVE

ClinVar aggregate classification (germline): Uncertain significance (1 of 4 stars; one submission).

Allele frequency attached by ClinVar (database versions not stated): gnomAD exomes below 0.00001.
gnomAD v4.1: 1 of 1,614,096 alleles (0.000062%); highest among the groups gnomAD compares: African/African-American, 0.0013%; no homozygotes.

Submission:

Ambry Genetics
Classification: Uncertain significance. Last evaluated: 2024-04-16. Review status: criteria provided, single submitter. Criteria: Ambry Variant Classification Scheme 2023. Collection method: clinical testing. Allele origin: germline.
Comment: The p.T641I variant (also known as c.1922C>T), located in coding exon 1 of the MLH3 gene, results from a C to T substitution at nucleotide position 1922. The threonine at codon 641 is replaced by isoleucine, an amino acid with similar properties. This amino acid position is conserved. In addition, this alteration is predicted to be tolerated by in silico analysis. Since supporting evidence is limited at this time, the clinical significance of this alteration remains unclear.